The following is an entry in ClinVar:

ClinVar aggregate classification (germline): Conflicting classifications of pathogenicity. Review status: criteria provided, conflicting classifications (1 of 4 stars). 2 submissions from 2 submitters: Uncertain significance (1); Likely benign (1). Last evaluated 2025-01-07.

Conditions:
RPGR-related disorder. Also called: RPGR-related condition.
Primary ciliary dyskinesia. Also called: Ciliary dyskinesia. Identifiers: Orphanet 244, MedGen C0008780, MONDO:0016575, HP:0012265.

Submissions (2):

PreventionGenetics, part of Exact Sciences
Classification: Likely benign for RPGR-related condition. Last evaluated: 2025-01-07. Review status: criteria provided, single submitter. Criteria: ACMG Guidelines, 2015. Collection method: clinical testing. Allele origin: germline.
Comment: This variant is classified as likely benign based on ACMG/AMP sequence variant interpretation guidelines (Richards et al. 2015 PMID: 25741868, with internal and published modifications).

Labcorp Genetics (formerly Invitae), Labcorp
Classification: Uncertain significance for Primary ciliary dyskinesia. Last evaluated: 2024-08-19. Review status: criteria provided, single submitter. Criteria: Invitae Variant Classification Sherloc (09022015). Collection method: clinical testing. Allele origin: germline.
Comment: This variant, c.3032_3043del, results in the deletion of 4 amino acid(s) of the RPGR (ORF15) protein (p.Gly1011_Glu1014del), but otherwise preserves the integrity of the reading frame. The frequency data for this variant in the population databases is considered unreliable, as metrics indicate poor data quality at this position in the gnomAD database. This variant has not been reported in the literature in individuals affected with RPGR (ORF15)-related conditions. Experimental studies and prediction algorithms are not available or were not evaluated, and the functional significance of this variant is currently unknown. In summary, the available evidence is currently insufficient to determine the role of this variant in disease. Therefore, it has been classified as a Variant of Uncertain Significance.

NM_001034853.2(RPGR):c.3032_3043del (p.1009GE[1])

Gene: RPGR (retinitis pigmentosa GTPase regulator; minus strand). Cytogenetic location: Xp11.4.
Variant type: Deletion.
Coding change: c.3032_3043del on transcript NM_001034853.2 (MANE Select); coding-DNA positions 3032 to 3043, 12 bases deleted (GAGAAGGGGAGG).
Protein change: p.1009GE[1].
Molecular consequence: inframe deletion. On other transcripts: intron variant (8).
Genome position (GRCh38, 1-based): chrX:38,285,956-38,285,967, CCTCCCCTTCTC deleted on the plus strand (GAGAAGGGGAGG on the coding strand, the reverse complement: RPGR is on the minus strand); deleting any 12 consecutive bases within chrX:38,285,956-38,285,978 gives the same sequence; the c. name uses the placement nearest the transcript's 3' end. VCF-style (leftmost placement, unchanged base first): chrX-38285955-TCCTCCCCTTCTC-T. GRCh37 (hg19) VCF-style: chrX-38145208-TCCTCCCCTTCTC-T.
Other names: c.1569+4992_1569+5003del (NM_001367249.1, NM_001367250.1); c.1902+1127_1902+1138del (NM_001367245.1); c.1386+4992_1386+5003del (NM_001367251.1); c.1719+1127_1719+1138del (NM_001367246.1); c.1572+4992_1572+5003del (NM_001367247.1); c.1905+1127_1905+1138del (NM_000328.3); c.1602+4992_1602+5003del (NM_001367248.1); c.3032_3043del12 (NM_001034853.1).
Identifiers: ClinVar variation 2710777 (VCV002710777.4), dbSNP rs776003342, ClinGen allele CA10385219.